The following is an entry in ClinVar:

NM_000089.4(COL1A2):c.812G>A (p.Gly271Asp)

Gene: COL1A2 (collagen type I alpha 2 chain; plus strand). Cytogenetic location: 7q21.3.
Variant type: single nucleotide variant.
Coding change: c.812G>A on transcript NM_000089.4 (MANE Select); coding-DNA position 812, G replaced by A.
Protein change: p.Gly271Asp; replaces glycine 271 with aspartic acid.
Molecular consequence: missense variant.
Genome position (GRCh38, 1-based): chr7:94,409,341, G>A. VCF-style: chr7-94409341-G-A. GRCh37 (hg19) VCF-style: chr7-94038653-G-A.
Other names: short protein forms G271D.
Identifiers: ClinVar variation 2503333 (VCV002503333.5), dbSNP rs2484707621, ClinGen allele CA368220578.
Genomic context (GRCh38, chr7:94,409,341, plus strand): 5'-TTATTTGCTGGTTAATTCCTTGGTTTAATTTCCTCTTTTAGGGTGAAATTGGAGCTGTTG[G>A]TAACGCTGGTCCTGCTGGTCCCGCCGGTCCCCGTGGTGAAGTGGGTCTTCCAGGCCTCTC-3'
Protein context (NP_000080.2, residues 261-281): PGPKGEIGAV[Gly271Asp]NAGPAGPAGP

ClinVar aggregate classification (germline): Pathogenic. Review status: criteria provided, multiple submitters, no conflicts (2 of 4 stars). 2 submissions from 2 submitters: Pathogenic (2). Last evaluated 2024-04-10.

Conditions:
Osteogenesis imperfecta type I (OI1). Also called: OI, TYPE I; OSTEOGENESIS IMPERFECTA TARDA; OSTEOGENESIS IMPERFECTA WITH BLUE SCLERAE; Osteogenesis imperfecta type 1; Lobstein's Disease; Lobstein disease. Identifiers: Orphanet 216796, Orphanet 666, MedGen C0023931, MONDO:0008146, OMIM 166200. Disease mechanism: loss of function.
Ehlers-Danlos syndrome, classic type, 1 (EDSCL1). Also called: EHLERS-DANLOS SYNDROME, GRAVIS TYPE; EHLERS-DANLOS SYNDROME, SEVERE CLASSIC TYPE; Ehlers-Danlos syndrome, type 1; EDS I; Ehlers-Danlos Syndrome, Classic Type, COL5A1-Related. Identifiers: MedGen C0268335, MONDO:0019567, OMIM 130000.

Submissions (2):

Labcorp Genetics (formerly Invitae), Labcorp
Classification: Pathogenic for Osteogenesis imperfecta type I; Ehlers-Danlos syndrome, classic type, 1. Last evaluated: 2024-04-10. Review status: criteria provided, single submitter. Criteria: Invitae Variant Classification Sherloc (09022015). Collection method: clinical testing. Allele origin: germline.
Comment: This sequence change replaces glycine, which is neutral and non-polar, with aspartic acid, which is acidic and polar, at codon 271 of the COL1A2 protein (p.Gly271Asp). This variant is not present in population databases (gnomAD no frequency). This missense change has been observed in individual(s) with autosomal dominant osteogenesis imperfecta (PMID: 27748872, 35154279). ClinVar contains an entry for this variant (Variation ID: 2503333). Advanced modeling of protein sequence and biophysical properties (such as structural, functional, and spatial information, amino acid conservation, physicochemical variation, residue mobility, and thermodynamic stability) performed at Invitae indicates that this missense variant is expected to disrupt COL1A2 protein function with a positive predictive value of 95%. This variant disrupts the triple helix domain of COL1A2. Glycine residues within the Gly-Xaa-Yaa repeats of the triple helix domain are required for the structure and stability of fibrillar collagens (PMID: 7695699, 8218237, 19344236). In COL1A2, variants affecting these glycine residues are significantly enriched in individuals with disease (PMID: 9016532, 17078022) compared to the general population (ExAC). For these reasons, this variant has been classified as Pathogenic.

GeneDx
Classification: Pathogenic. Last evaluated: 2023-06-15. Review status: criteria provided, single submitter. Criteria: GeneDx Variant Classification Process June 2021. Collection method: clinical testing. Allele origin: germline.
Comment: Occurs in the triple helical domain and replaces a glycine in a canonical Gly-X-Y repeat; missense substitution of a canonical glycine residue is expected to disrupt normal protein folding and function, and this is an established mechanism of disease (Jovanovic et al., 2021); Not observed at significant frequency in large population cohorts (gnomAD); In silico analysis supports that this missense variant has a deleterious effect on protein structure/function; This variant is associated with the following publications: (PMID: 27748872, 35154279, 34007986, 35909573)

Literature cited by the submitters: PubMed 27748872 (cited by Labcorp Genetics (formerly Invitae), Labcorp); PubMed 35154279 (cited by Labcorp Genetics (formerly Invitae), Labcorp); PubMed 7695699 (cited by Labcorp Genetics (formerly Invitae), Labcorp); PubMed 8218237 (cited by Labcorp Genetics (formerly Invitae), Labcorp); PubMed 19344236 (cited by Labcorp Genetics (formerly Invitae), Labcorp); PubMed 9016532 (cited by Labcorp Genetics (formerly Invitae), Labcorp); PubMed 17078022 (cited by Labcorp Genetics (formerly Invitae), Labcorp).